The following is an entry in ClinVar:

ClinVar aggregate classification (germline): Uncertain significance (1 of 4 stars; one submission).

Conditions:
Inborn genetic diseases. Identifiers: MedGen C0950123, MeSH D030342.

Allele frequency attached by ClinVar (database versions not stated): gnomAD exomes below 0.00001.
gnomAD v4.1: 3 of 1,605,200 alleles (0.00019%); highest among the groups gnomAD compares: Non-Finnish European, 0.00026%; no homozygotes.

Submission:

Ambry Genetics
Classification: Uncertain significance for Inborn genetic diseases. Last evaluated: 2022-10-31. Review status: criteria provided, single submitter. Criteria: Ambry General Variant Classification Scheme_2022. Collection method: clinical testing. Allele origin: germline. Observed: 1 variant allele.
Comment: The p.N79I variant (also known as c.236A>T), located in coding exon 4 of the BUB1 gene, results from an A to T substitution at nucleotide position 236. The asparagine at codon 79 is replaced by isoleucine, an amino acid with dissimilar properties. This amino acid position is conserved. In addition, this alteration is predicted to be tolerated by in silico analysis. Since supporting evidence is limited at this time, the clinical significance of this alteration remains unclear.

NM_004336.5(BUB1):c.236A>T (p.Asn79Ile)

Gene: BUB1 (BUB1 mitotic checkpoint serine/threonine kinase; minus strand). Cytogenetic location: 2q13.
Variant type: single nucleotide variant.
Coding change: c.236A>T on transcript NM_004336.5 (MANE Select); coding-DNA position 236, A replaced by T.
Protein change: p.Asn79Ile; replaces asparagine 79 with isoleucine.
Molecular consequence: missense variant.
Genome position (GRCh38, 1-based): chr2:110,672,847, T>A on the plus strand (A>T on the coding strand, the complement: BUB1 is on the minus strand). VCF-style: chr2-110672847-T-A. GRCh37 (hg19) VCF-style: chr2-111430424-T-A.
Other names: c.176A>T, p.Asn59Ile (NM_001278616.2); c.236A>T, p.Asn79Ile (NM_001278617.2); short protein forms N59I, N79I.
Identifiers: ClinVar variation 1790265 (VCV001790265.1), dbSNP rs2468036179, ClinGen allele CA348220735.
Genomic context (GRCh38, chr2:110,672,847, plus strand): 5'-GATGACAGGGTTCCAATCCCATGGTTGTACAGAAACTCAAAAAATTGATGGAGGTCACTG[T>A]TGTACTCAGCCTACACGAACCCAAAACAAAAAGACATAAGAATAATGGAACTGCTAGTCT-3'
Protein context (NP_004327.1, residues 69-89): ISYCLKFAEY[Asn79Ile]SDLHQFFEFL